The following is an entry in ClinVar:

ClinVar aggregate classification (germline): Uncertain significance (1 of 4 stars; one submission).

Conditions:
Primary ciliary dyskinesia 28. Also called: CILIARY DYSKINESIA, PRIMARY, 28, WITH OR WITHOUT SITUS INVERSUS. Identifiers: Orphanet 244, MedGen C3809706, MONDO:0014216, OMIM 615505.

Allele frequency attached by ClinVar (database versions not stated): TOPMed below 0.00001.

Submission:

Labcorp Genetics (formerly Invitae), Labcorp
Classification: Uncertain significance for Primary ciliary dyskinesia 28. Last evaluated: 2022-05-31. Review status: criteria provided, single submitter. Criteria: Invitae Variant Classification Sherloc (09022015). Collection method: clinical testing. Allele origin: germline.
Comment: This sequence change replaces methionine, which is neutral and non-polar, with isoleucine, which is neutral and non-polar, at codon 339 of the SPAG1 protein (p.Met339Ile). This variant is not present in population databases (gnomAD no frequency). This variant has not been reported in the literature in individuals affected with SPAG1-related conditions. Algorithms developed to predict the effect of missense changes on protein structure and function (SIFT, PolyPhen-2, Align-GVGD) all suggest that this variant is likely to be tolerated. In summary, the available evidence is currently insufficient to determine the role of this variant in disease. Therefore, it has been classified as a Variant of Uncertain Significance.

NM_003114.5(SPAG1):c.1017G>A (p.Met339Ile)

Gene: SPAG1 (sperm associated antigen 1; plus strand). Cytogenetic location: 8q22.2.
Variant type: single nucleotide variant.
Coding change: c.1017G>A on transcript NM_003114.5 (MANE Select); coding-DNA position 1017, G replaced by A.
Protein change: p.Met339Ile; replaces methionine 339 with isoleucine.
Molecular consequence: missense variant.
Genome position (GRCh38, 1-based): chr8:100,194,189, G>A. VCF-style: chr8-100194189-G-A. GRCh37 (hg19) VCF-style: chr8-101206417-G-A.
Other names: c.1017G>A, p.Met339Ile (NM_001374321.1, NM_172218.3); short protein forms M339I.
Identifiers: ClinVar variation 2001406 (VCV002001406.1), dbSNP rs1816930706, ClinGen allele CA371804652.